The following is an entry in ClinVar:

ClinVar aggregate classification (germline): Likely benign. Review status: criteria provided, multiple submitters, no conflicts (2 of 4 stars). 4 submissions from 4 submitters: Likely benign (4). Last evaluated 2025-10-01.

Conditions:
Hereditary cancer-predisposing syndrome. Also called: Tumor predisposition; Hereditary neoplastic syndrome; Neoplastic Syndromes, Hereditary; Hereditary Cancer Syndrome. Identifiers: Orphanet 140162, MedGen C0027672, MeSH D009386, MONDO:0015356.
Cardiovascular phenotype. Identifiers: MedGen CN230736.
Neurofibromatosis, type 1 (NF1). Also called: Peripheral type neurofibromatosis; NEUROFIBROMATOSIS, TYPE I, SOMATIC; Neurofibromatosis, type I; VON RECKLINGHAUSEN DISEASE. Identifiers: Orphanet 636, MedGen C0027831, MONDO:0018975, OMIM 162200. Disease mechanism: loss of function.

Allele frequency attached by ClinVar (database versions not stated): TOPMed 0.00001.
gnomAD v4.1: 1 of 1,613,800 alleles (0.000062%); no homozygotes.

Submissions (4):

Labcorp Genetics (formerly Invitae), Labcorp
Classification: Likely benign for Neurofibromatosis, type 1. Last evaluated: 2025-10-01. Review status: criteria provided, single submitter. Criteria: Invitae Variant Classification Sherloc (09022015). Collection method: clinical testing. Allele origin: germline.

Genome-Nilou Lab
Classification: Likely benign for Neurofibromatosis, type 1. Last evaluated: 2022-03-15. Review status: criteria provided, single submitter. Criteria: ACMG Guidelines, 2015. Collection method: clinical testing. Allele origin: germline. Affected: no.

Ambry Genetics
Classification: Likely benign for Cardiovascular phenotype; Hereditary cancer-predisposing syndrome. Last evaluated: 2020-12-02. Review status: criteria provided, single submitter. Criteria: Ambry Variant Classification Scheme 2023. Collection method: clinical testing. Allele origin: germline.

Laboratory for Molecular Medicine, Mass General Brigham Personalized Medicine
Classification: Likely benign. Last evaluated: 2015-12-17. Review status: criteria provided, single submitter. Criteria: LMM Criteria. Collection method: clinical testing. Allele origin: germline. Observed: 1 variant allele.
Comment: p.Thr2122Thr in exon of 42 of NF1: This variant is not expected to have clinical significance because it does not alter an amino acid residue and is not located within the splice consensus sequence.

NM_001042492.3(NF1):c.6366A>G (p.Thr2122=)

Gene: NF1 (neurofibromin 1; plus strand). Cytogenetic location: 17q11.2.
Variant type: single nucleotide variant.
Coding change: c.6366A>G on transcript NM_001042492.3 (MANE Select); coding-DNA position 6366, A replaced by G.
Protein change: p.Thr2122=; no amino-acid change (threonine 2122 retained).
Molecular consequence: synonymous variant.
Genome position (GRCh38, 1-based): chr17:31,336,853, A>G. VCF-style: chr17-31336853-A-G. GRCh37 (hg19) VCF-style: chr17-29663871-A-G.
Other names: c.6303A>G, p.Thr2101= (NM_000267.4).
Identifiers: ClinVar variation 227745 (VCV000227745.15), dbSNP rs876657547, ClinGen allele CA10577036.